The following is an entry in ClinVar:

NM_004360.5(CDH1):c.10T>G (p.Trp4Gly)

Gene: CDH1 (cadherin 1; plus strand). Cytogenetic location: 16q22.1.
Variant type: single nucleotide variant.
Coding change: c.10T>G on transcript NM_004360.5 (MANE Select); coding-DNA position 10, T replaced by G.
Protein change: p.Trp4Gly; replaces tryptophan 4 with glycine.
Molecular consequence: missense variant. On other transcripts: 5 prime UTR variant (2).
Genome position (GRCh38, 1-based): chr16:68,737,425, T>G. VCF-style: chr16-68737425-T-G. GRCh37 (hg19) VCF-style: chr16-68771328-T-G.
Other names: c.10T>G, p.Trp4Gly (NM_001317184.2); c.-1606T>G (NM_001317185.2); c.-1810T>G (NM_001317186.2); short protein forms W4G.
Identifiers: ClinVar variation 1719790 (VCV001719790.6), dbSNP rs2543814046, ClinGen allele CA396451236.

ClinVar aggregate classification (germline): Uncertain significance (1 of 4 stars; one submission).

Conditions:
Hereditary diffuse gastric adenocarcinoma (HDGC). Also called: DIFFUSE GASTRIC AND LOBULAR BREAST CANCER SYNDROME. Identifiers: Orphanet 26106, MedGen C1708349, MONDO:0007648, OMIM 137215.

Submission:

Labcorp Genetics (formerly Invitae), Labcorp
Classification: Uncertain significance for Hereditary diffuse gastric adenocarcinoma. Last evaluated: 2022-09-27. Review status: criteria provided, single submitter. Criteria: Invitae Variant Classification Sherloc (09022015). Collection method: clinical testing. Allele origin: germline.
Comment: This sequence change replaces tryptophan, which is neutral and slightly polar, with glycine, which is neutral and non-polar, at codon 4 of the CDH1 protein (p.Trp4Gly). This variant is not present in population databases (gnomAD no frequency). This variant has not been reported in the literature in individuals affected with CDH1-related conditions. Algorithms developed to predict the effect of missense changes on protein structure and function (SIFT, PolyPhen-2, Align-GVGD) all suggest that this variant is likely to be tolerated. In summary, the available evidence is currently insufficient to determine the role of this variant in disease. Therefore, it has been classified as a Variant of Uncertain Significance.